The following is an entry in ClinVar:

ClinVar aggregate classification (germline): Pathogenic (1 of 4 stars; one submission).

Conditions:
Cohen syndrome (COH1). Also called: PEPPER SYNDROME; Cutis verticis gyrata, retinitis pigmentosa, and sensorineural deafness. Identifiers: Orphanet 193, MedGen C0265223, MONDO:0008999, OMIM 216550.

Submission:

Labcorp Genetics (formerly Invitae), Labcorp
Classification: Pathogenic for Cohen syndrome. Last evaluated: 2026-01-22. Review status: criteria provided, single submitter. Criteria: Invitae Variant Classification Sherloc (09022015). Collection method: clinical testing. Allele origin: germline.
Comment: This sequence change creates a premature translational stop signal (p.Ser3899Hisfs*38) in the VPS13B gene. While this is not anticipated to result in nonsense mediated decay, it is expected to disrupt the last 124 amino acid(s) of the VPS13B protein. This variant is not present in population databases (gnomAD no frequency). This variant has not been reported in the literature in individuals affected with VPS13B-related conditions. This variant disrupts a region of the VPS13B protein in which other variant(s) (p.Lys3991Leufs*23) have been determined to be pathogenic (internal data). This suggests that this is a clinically significant region of the protein, and that variants that disrupt it are likely to be disease-causing. For these reasons, this variant has been classified as Pathogenic.

NM_152564.5(VPS13B):c.11620_11635del (p.Ser3874fs)

Gene: VPS13B (vacuolar protein sorting 13 homolog B; plus strand). Cytogenetic location: 8q22.2.
Variant type: Deletion.
Coding change: c.11620_11635del on transcript NM_152564.5 (MANE Select); coding-DNA positions 11620 to 11635, 16 bases deleted (AGTGTCAGTGAGGACA).
Protein change: p.Ser3874fs; shifts the reading frame from serine 3874.
Molecular consequence: frameshift variant.
Genome position (GRCh38, 1-based): chr8:99,871,572-99,871,587, AGTGTCAGTGAGGACA deleted. VCF-style (leftmost placement, unchanged base first): chr8-99871571-GAGTGTCAGTGAGGACA-G. GRCh37 (hg19) VCF-style: chr8-100883799-GAGTGTCAGTGAGGACA-G.
Other names: c.11695_11710del, p.Ser3899fs (NM_017890.5); short protein forms S3874fs, S3899fs.
Identifiers: ClinVar variation 4800391 (VCV004800391.1).